The following is an entry in ClinVar:

NM_003000.3(SDHB):c.782A>C (p.Lys261Thr)

Gene: SDHB (succinate dehydrogenase complex iron sulfur subunit B; minus strand). Cytogenetic location: 1p36.13.
Variant type: single nucleotide variant.
Coding change: c.782A>C on transcript NM_003000.3 (MANE Select); coding-DNA position 782, A replaced by C.
Protein change: p.Lys261Thr; replaces lysine 261 with threonine.
Molecular consequence: missense variant.
Genome position (GRCh38, 1-based): chr1:17,018,942, T>G on the plus strand (A>C on the coding strand, the complement: SDHB is on the minus strand). VCF-style: chr1-17018942-T-G. GRCh37 (hg19) VCF-style: chr1-17345437-T-G.
Other names: short protein forms K261T.
Identifiers: ClinVar variation 459172 (VCV000459172.8), dbSNP rs1553176980, ClinGen allele CA338268983.

ClinVar aggregate classification (germline): Uncertain significance. Review status: criteria provided, multiple submitters, no conflicts (2 of 4 stars). 3 submissions from 3 submitters: Uncertain significance (3). Last evaluated 2026-01-04.

Conditions:
Hereditary cancer-predisposing syndrome. Also called: Tumor predisposition; Hereditary neoplastic syndrome; Neoplastic Syndromes, Hereditary; Hereditary Cancer Syndrome. Identifiers: Orphanet 140162, MedGen C0027672, MeSH D009386, MONDO:0015356.
Pheochromocytoma. Also called: MAX-Related Hereditary Paraganglioma-Pheochromocytoma Syndrome. Identifiers: Orphanet 29072, MedGen C0031511, MONDO:0008233, OMIM 171300, HP:0002666.
Pheochromocytoma/paraganglioma syndrome 4. Also called: SDHB-Related Hereditary Paraganglioma-Pheochromocytoma Syndrome (Paragangliomas 4); CAROTID BODY TUMORS AND MULTIPLE EXTRAADRENAL PHEOCHROMOCYTOMAS; PARAGANGLIOMA, FAMILIAL MALIGNANT; PARAGANGLIOMAS, HEREDITARY EXTRAADRENAL; SDHB-Related Hereditary Paraganglioma-Pheochromocytoma Syndrome; PHEOCHROMOCYTOMA, FAMILIAL EXTRAADRENAL. Identifiers: Orphanet 29072, MedGen C1861848, MONDO:0007273, OMIM 115310.
Gastrointestinal stromal tumor. Also called: Gastrointestinal stroma tumor; Gastrointestinal stromal tumor, somatic. Identifiers: Orphanet 44890, MedGen C0238198, MeSH D046152, MONDO:0011719, OMIM 606764, HP:0100723.

Allele frequency attached by ClinVar (database versions not stated): gnomAD exomes below 0.00001.
gnomAD v4.1: 1 of 1,611,792 alleles (0.000062%); highest among the groups gnomAD compares: East Asian, 0.0022%; no homozygotes.

Submissions (3):

Labcorp Genetics (formerly Invitae), Labcorp
Classification: Uncertain significance for Gastrointestinal stromal tumor; Pheochromocytoma/paraganglioma syndrome 4; Pheochromocytoma. Last evaluated: 2026-01-04. Review status: criteria provided, single submitter. Criteria: Invitae Variant Classification Sherloc (09022015). Collection method: clinical testing. Allele origin: germline.
Comment: This sequence change replaces lysine, which is basic and polar, with threonine, which is neutral and polar, at codon 261 of the SDHB protein (p.Lys261Thr). This variant is not present in population databases (gnomAD no frequency). This variant has not been reported in the literature in individuals affected with SDHB-related conditions. ClinVar contains an entry for this variant (Variation ID: 459172). Invitae Evidence Modeling of protein sequence and biophysical properties (such as structural, functional, and spatial information, amino acid conservation, physicochemical variation, residue mobility, and thermodynamic stability) indicates that this missense variant is not expected to disrupt SDHB protein function with a negative predictive value of 80%. In summary, the available evidence is currently insufficient to determine the role of this variant in disease. Therefore, it has been classified as a Variant of Uncertain Significance.

Baylor Genetics
Classification: Uncertain significance for Gastrointestinal stromal tumor. Last evaluated: 2023-09-12. Review status: criteria provided, single submitter. Criteria: ACMG Guidelines, 2015. Collection method: clinical testing. Allele origin: unknown.

Ambry Genetics
Classification: Uncertain significance for Hereditary cancer-predisposing syndrome. Last evaluated: 2023-06-11. Review status: criteria provided, single submitter. Criteria: Ambry Variant Classification Scheme 2023. Collection method: clinical testing. Allele origin: germline.
Comment: The p.K261T variant (also known as c.782A>C), located in coding exon 8 of the SDHB gene, results from an A to C substitution at nucleotide position 782. The lysine at codon 261 is replaced by threonine, an amino acid with similar properties. This amino acid position is conserved. In addition, this alteration is predicted to be deleterious by in silico analysis. Since supporting evidence is limited at this time, the clinical significance of this alteration remains unclear.